The following is an entry in ClinVar:

ClinVar aggregate classification (germline): Uncertain significance. Review status: criteria provided, multiple submitters, no conflicts (2 of 4 stars). 3 submissions from 3 submitters: Uncertain significance (2). 1 of the submissions does not count toward it. Last evaluated 2022-09-07.

Conditions:
Charlevoix-Saguenay spastic ataxia (SACS). Also called: Spastic ataxia of Charlevoix-Saguenay; SPASTIC ATAXIA 6, AUTOSOMAL RECESSIVE; AUTOSOMAL RECESSIVE SPASTIC ATAXIA OF CHARLEVOIX-SAGUENAY. Identifiers: Orphanet 98, MedGen C1849140, MONDO:0010041, OMIM 270550.
Spastic paraplegia. Identifiers: MedGen C0037772, HP:0001258.

Allele frequency attached by ClinVar (database versions not stated): gnomAD exomes below 0.00001 and 0.00001; gnomAD 0.00001; ExAC 0.00002; 1000 Genomes Project 0.00060; 1000 Genomes Project 30x 0.00062.
gnomAD v4.1: 3 of 1,614,220 alleles (0.00019%); highest among the groups gnomAD compares: Admixed American, 0.005%; no homozygotes.

Submissions (3):

Labcorp Genetics (formerly Invitae), Labcorp
Classification: Uncertain significance for Spastic paraplegia. Last evaluated: 2022-09-07. Review status: criteria provided, single submitter. Criteria: Invitae Variant Classification Sherloc (09022015). Collection method: clinical testing. Allele origin: germline.
Comment: This sequence change replaces phenylalanine, which is neutral and non-polar, with tyrosine, which is neutral and polar, at codon 273 of the SACS protein (p.Phe273Tyr). This variant is present in population databases (rs182864646, gnomAD 0.006%). This variant has not been reported in the literature in individuals affected with SACS-related conditions. ClinVar contains an entry for this variant (Variation ID: 527998). Algorithms developed to predict the effect of missense changes on protein structure and function are either unavailable or do not agree on the potential impact of this missense change (SIFT: "Deleterious"; PolyPhen-2: "Probably Damaging"; Align-GVGD: "Class C0"). In summary, the available evidence is currently insufficient to determine the role of this variant in disease. Therefore, it has been classified as a Variant of Uncertain Significance.

Fulgent Genetics
Classification: Uncertain significance for Charlevoix-Saguenay spastic ataxia. Last evaluated: 2022-03-29. Review status: criteria provided, single submitter. Criteria: ACMG Guidelines, 2015. Collection method: clinical testing. Allele origin: unknown.

Natera, Inc.
Classification: Uncertain significance for Charlevoix-Saguenay type spastic ataxia. Last evaluated: 2019-11-11. Review status: no assertion criteria provided. Collection method: clinical testing. Allele origin: germline. Not counted in ClinVar's aggregate classification.

NM_014363.6(SACS):c.818T>A (p.Phe273Tyr)

Gene: SACS (sacsin molecular chaperone; minus strand). Cytogenetic location: 13q12.12.
Variant type: single nucleotide variant.
Coding change: c.818T>A on transcript NM_014363.6 (MANE Select); coding-DNA position 818, T replaced by A.
Protein change: p.Phe273Tyr; replaces phenylalanine 273 with tyrosine.
Molecular consequence: missense variant.
Genome position (GRCh38, 1-based): chr13:23,355,794, A>T on the plus strand (T>A on the coding strand, the complement: SACS is on the minus strand). VCF-style: chr13-23355794-A-T. GRCh37 (hg19) VCF-style: chr13-23929933-A-T.
Other names: c.377T>A, p.Phe126Tyr (NM_001278055.2); short protein forms F273Y, F126Y.
Identifiers: ClinVar variation 527998 (VCV000527998.5), dbSNP rs182864646, ClinGen allele CA6912019.